The following is an entry in ClinVar:

ClinVar aggregate classification (germline): Conflicting classifications of pathogenicity. Review status: criteria provided, conflicting classifications (1 of 4 stars). 2 submissions from 2 submitters: Uncertain significance (1); Likely benign (1). Last evaluated 2025-08-06.

Conditions:
Genitopatellar syndrome (GTPTS). Also called: ABSENT PATELLAE, SCROTAL HYPOPLASIA, RENAL ANOMALIES, FACIAL DYSMORPHISM, AND MENTAL RETARDATION; Genitopatellar syndrome (GPS). Identifiers: Orphanet 85201, MedGen C1853566, MONDO:0011640, OMIM 606170.
Inborn genetic diseases. Identifiers: MedGen C0950123, MeSH D030342.

Allele frequency attached by ClinVar (database versions not stated): gnomAD exomes 0.00002; TOPMed 0.00004; ExAC 0.00005; gnomAD 0.00005; 1000 Genomes Project 0.00020; 1000 Genomes Project 30x 0.00031.
gnomAD v4.1: 36 of 1,613,892 alleles (0.0022%); highest among the groups gnomAD compares: African/African-American, 0.0093%; no homozygotes.

Submissions (2):

Labcorp Genetics (formerly Invitae), Labcorp
Classification: Uncertain significance for Genitopatellar syndrome. Last evaluated: 2025-08-06. Review status: criteria provided, single submitter. Criteria: Invitae Variant Classification Sherloc (09022015). Collection method: clinical testing. Allele origin: germline.
Comment: This sequence change replaces valine, which is neutral and non-polar, with isoleucine, which is neutral and non-polar, at codon 688 of the KAT6B protein (p.Val688Ile). This variant is present in population databases (rs550985531, gnomAD 0.01%). This variant has not been reported in the literature in individuals affected with KAT6B-related conditions. ClinVar contains an entry for this variant (Variation ID: 2594716). Invitae Evidence Modeling of protein sequence and biophysical properties (such as structural, functional, and spatial information, amino acid conservation, physicochemical variation, residue mobility, and thermodynamic stability) indicates that this missense variant is not expected to disrupt KAT6B protein function with a negative predictive value of 80%. In summary, the available evidence is currently insufficient to determine the role of this variant in disease. Therefore, it has been classified as a Variant of Uncertain Significance.

Ambry Genetics
Classification: Likely benign for Inborn genetic diseases. Last evaluated: 2023-06-21. Review status: criteria provided, single submitter. Criteria: Ambry Variant Classification Scheme 2023. Collection method: clinical testing. Allele origin: germline.

NM_012330.4(KAT6B):c.2062G>A (p.Val688Ile)

Gene: KAT6B (lysine acetyltransferase 6B; plus strand). Cytogenetic location: 10q22.2.
Variant type: single nucleotide variant.
Coding change: c.2062G>A on transcript NM_012330.4 (MANE Select); coding-DNA position 2062, G replaced by A.
Protein change: p.Val688Ile; replaces valine 688 with isoleucine.
Molecular consequence: missense variant. On other transcripts: intron variant (3).
Genome position (GRCh38, 1-based): chr10:74,977,384, G>A. VCF-style: chr10-74977384-G-A. GRCh37 (hg19) VCF-style: chr10-76737142-G-A.
Other names: c.1186G>A, p.Val396Ile (NM_001370140.1, NM_001370141.1, NM_001370142.1 and 3 more transcripts); c.997G>A, p.Val333Ile (NM_001370143.1, NM_001370144.1); c.846+7609G>A (NM_001370133.1); c.193-1840G>A (NM_001370134.1); c.193-11635G>A (NM_001370135.1); c.1513G>A, p.Val505Ile (NM_001256468.2, NM_001370138.1); c.2062G>A, p.Val688Ile (NM_001370136.1, NM_001370137.1); short protein forms V333I, V396I, V505I, V688I.
Identifiers: ClinVar variation 2594716 (VCV002594716.4), dbSNP rs550985531, ClinGen allele CA5564516.
Genomic context (GRCh38, chr10:74,977,384, plus strand): 5'-ATAAAAATAAACATCAAACAAGAAAGTGCAGATGTAAATGTGATTGGAAACAAGGATGTC[G>A]TTACTGAAGAGGATTTGGATGTTTTTAAGCAGGCCCAGGAACTTTCTTGGGAGGTAAGGC-3'
Protein context (NP_036462.2, residues 678-698): DVNVIGNKDV[Val688Ile]TEEDLDVFKQ